The following is an entry in ClinVar:

ClinVar aggregate classification (germline): Uncertain significance (1 of 4 stars; one submission).

Submission:

Labcorp Genetics (formerly Invitae), Labcorp
Classification: Uncertain significance. Last evaluated: 2023-12-22. Review status: criteria provided, single submitter. Criteria: Invitae Variant Classification Sherloc (09022015). Collection method: clinical testing. Allele origin: germline.
Comment: This sequence change falls in intron 4 of the GNAT1 gene. It does not directly change the encoded amino acid sequence of the GNAT1 protein. It affects a nucleotide within the consensus splice site. This variant is present in population databases (no rsID available, gnomAD 0.0009%). This variant has not been reported in the literature in individuals affected with GNAT1-related conditions. ClinVar contains an entry for this variant (Variation ID: 2114902). Variants that disrupt the consensus splice site are a relatively common cause of aberrant splicing (PMID: 17576681, 9536098). In summary, the available evidence is currently insufficient to determine the role of this variant in disease. Therefore, it has been classified as a Variant of Uncertain Significance.

Literature cited by the submitters: PubMed 17576681; PubMed 9536098.

NM_144499.3(GNAT1):c.448_449+2dup

Gene: GNAT1 (G protein subunit alpha transducin 1; plus strand). Cytogenetic location: 3p21.31.
Variant type: Duplication.
Coding change: c.448_449+2dup on transcript NM_144499.3 (MANE Select); coding-DNA position 448 through the canonical splice donor site of the intron after coding-DNA position 449, 4 bases duplicated (TAGT; older notation c.448_449+2dupTAGT).
Molecular consequence: splice donor variant.
Genome position (GRCh38, 1-based): chr3:50,193,662-50,193,665, TAGT duplicated. VCF-style (leftmost placement, unchanged base first): chr3-50193661-C-CTAGT. GRCh37 (hg19) VCF-style: chr3-50231094-C-CTAGT.
Other names: c.448_449+2dup (NM_000172.4).
Identifiers: ClinVar variation 2114902 (VCV002114902.4), dbSNP rs1315655924, ClinGen allele CA433860465.